The following is an entry in ClinVar:

ClinVar aggregate classification (germline): Uncertain significance (1 of 4 stars; one submission).

Conditions:
Neurofibromatosis, type 1 (NF1). Also called: Neurofibromatosis, type I; VON RECKLINGHAUSEN DISEASE; NEUROFIBROMATOSIS, TYPE I, SOMATIC; Peripheral type neurofibromatosis. Identifiers: Orphanet 636, MedGen C0027831, MONDO:0018975, OMIM 162200. Disease mechanism: loss of function.

Submission:

Labcorp Genetics (formerly Invitae), Labcorp
Classification: Uncertain significance for Neurofibromatosis, type 1. Last evaluated: 2022-01-17. Review status: criteria provided, single submitter. Criteria: Invitae Variant Classification Sherloc (09022015). Collection method: clinical testing. Allele origin: germline.
Comment: This sequence change replaces arginine, which is basic and polar, with lysine, which is basic and polar, at codon 1554 of the NF1 protein (p.Arg1554Lys). This variant also falls at the last nucleotide of exon 34, which is part of the consensus splice site for this exon. This variant is not present in population databases (gnomAD no frequency). This variant has not been reported in the literature in individuals affected with NF1-related conditions. Algorithms developed to predict the effect of missense changes on protein structure and function are either unavailable or do not agree on the potential impact of this missense change (SIFT: "Deleterious"; PolyPhen-2: "Possibly Damaging"; Align-GVGD: "Class C0"). Variants that disrupt the consensus splice site are a relatively common cause of aberrant splicing (PMID: 17576681, 9536098). Algorithms developed to predict the effect of sequence changes on RNA splicing suggest that this variant may disrupt the consensus splice site. In summary, the available evidence is currently insufficient to determine the role of this variant in disease. Therefore, it has been classified as a Variant of Uncertain Significance.

Literature cited by the submitters: PubMed 17576681; PubMed 9536098.

NM_001042492.3(NF1):c.4724G>A (p.Arg1575Lys)

Gene: NF1 (neurofibromin 1; plus strand). Cytogenetic location: 17q11.2.
Variant type: single nucleotide variant.
Coding change: c.4724G>A on transcript NM_001042492.3 (MANE Select); coding-DNA position 4724, G replaced by A.
Protein change: p.Arg1575Lys; replaces arginine 1575 with lysine.
Molecular consequence: missense variant.
Genome position (GRCh38, 1-based): chr17:31,261,857, G>A. VCF-style: chr17-31261857-G-A. GRCh37 (hg19) VCF-style: chr17-29588875-G-A.
Other names: c.4661G>A, p.Arg1554Lys (NM_000267.4); short protein forms R1554K, R1575K.
Identifiers: ClinVar variation 2086640 (VCV002086640.4), dbSNP rs2151466553, ClinGen allele CA399000684.